The following is an entry in ClinVar:

ClinVar aggregate classification (germline): Uncertain significance (1 of 4 stars; one submission).

Conditions:
Hypouricemia, renal, 2. Also called: HYPOURICEMIA, RENAL, 2, AUTOSOMAL DOMINANT; HYPOURICEMIA, RENAL, 2, AUTOSOMAL RECESSIVE. Identifiers: MedGen C2677549, MONDO:0012793, OMIM 612076.

gnomAD v4.1: 18 of 1,614,082 alleles (0.0011%); highest among the groups gnomAD compares: Non-Finnish European, 0.0014%; no homozygotes.

Submission:

MVZ Medizinische Genetik Mainz
Classification: Uncertain significance for Hypouricemia, renal, 2. Last evaluated: 2026-05-13. Review status: criteria provided, single submitter. Criteria: UK Practice Guidelines For Variant Classification V4 01 2020. Collection method: clinical testing. Allele origin: germline. Inheritance: Autosomal recessive inheritance. Affected: yes. Observed: 1 variant allele.
Comment: ACMG Criteria: PM2_SUP,PP4

NM_020041.3(SLC2A9):c.637G>A (p.Val213Met)

Gene: SLC2A9 (solute carrier family 2 member 9; minus strand). Cytogenetic location: 4p16.1.
Variant type: single nucleotide variant.
Coding change: c.637G>A on transcript NM_020041.3 (MANE Select); coding-DNA position 637, G replaced by A.
Protein change: p.Val213Met; replaces valine 213 with methionine.
Molecular consequence: missense variant.
Genome position (GRCh38, 1-based): chr4:9,980,636, C>T on the plus strand (G>A on the coding strand, the complement: SLC2A9 is on the minus strand). VCF-style: chr4-9980636-C-T. GRCh37 (hg19) VCF-style: chr4-9982260-C-T.
Other names: c.550G>A, p.Val184Met (NM_001001290.2); short protein forms V213M, V184M.
Identifiers: ClinVar variation 4852371 (VCV004852371.1).